The following is an entry in ClinVar:

NM_018192.4(P3H2):c.1289dup (p.Leu431fs)

Gene: P3H2 (prolyl 3-hydroxylase 2; minus strand). Cytogenetic location: 3q28.
Variant type: Duplication.
Coding change: c.1289dup on transcript NM_018192.4 (MANE Select); coding-DNA position 1289, one base duplicated (A; older notation c.1289dupA).
Protein change: p.Leu431fs; shifts the reading frame from leucine 431.
Molecular consequence: frameshift variant.
Genome position (GRCh38, 1-based): chr3:189,983,081, T duplicated on the plus strand (A on the coding strand, the reverse complement: P3H2 is on the minus strand); the first of 6 consecutive T bases (chr3:189,983,081-189,983,086); duplicating any one gives the same sequence. VCF-style (leftmost placement, unchanged base first): chr3-189983080-C-CT. GRCh37 (hg19) VCF-style: chr3-189700869-C-CT.
Other names: c.746dup, p.Leu250fs (NM_001134418.2); short protein forms L250fs, L431fs.
Identifiers: ClinVar variation 1454106 (VCV001454106.6), dbSNP rs1560347618, ClinGen allele CA548496396.

ClinVar aggregate classification (germline): Pathogenic (1 of 4 stars; one submission).

Submission:

Labcorp Genetics (formerly Invitae), Labcorp
Classification: Pathogenic. Last evaluated: 2024-01-08. Review status: criteria provided, single submitter. Criteria: Invitae Variant Classification Sherloc (09022015). Collection method: clinical testing. Allele origin: germline.
Comment: This sequence change creates a premature translational stop signal (p.Leu431Alafs*18) in the P3H2 gene. It is expected to result in an absent or disrupted protein product. Loss-of-function variants in P3H2 are known to be pathogenic (PMID: 24172257, 25469533). This variant is present in population databases (no rsID available, gnomAD 0.0009%). This variant has not been reported in the literature in individuals affected with P3H2-related conditions. ClinVar contains an entry for this variant (Variation ID: 1454106). For these reasons, this variant has been classified as Pathogenic.

Literature cited by the submitters: PubMed 24172257; PubMed 25469533.